The following is an entry in ClinVar:

NM_015991.4(C1QA):c.220G>A (p.Gly74Arg)

Gene: C1QA (complement C1q A chain; plus strand). Cytogenetic location: 1p36.12.
Variant type: single nucleotide variant.
Coding change: c.220G>A on transcript NM_015991.4 (MANE Select); coding-DNA position 220, G replaced by A.
Protein change: p.Gly74Arg; replaces glycine 74 with arginine.
Molecular consequence: missense variant.
Genome position (GRCh38, 1-based): chr1:22,638,889, G>A. VCF-style: chr1-22638889-G-A. GRCh37 (hg19) VCF-style: chr1-22965382-G-A.
Other names: c.220G>A, p.Gly74Arg (NM_001347465.2, NM_001347466.2); short protein forms G74R.
Identifiers: ClinVar variation 1390787 (VCV001390787.6), dbSNP rs2148290756, ClinGen allele CA338928031.

ClinVar aggregate classification (germline): Uncertain significance (1 of 4 stars; one submission).

Submission:

Labcorp Genetics (formerly Invitae), Labcorp
Classification: Uncertain significance. Last evaluated: 2022-08-10. Review status: criteria provided, single submitter. Criteria: Invitae Variant Classification Sherloc (09022015). Collection method: clinical testing. Allele origin: germline.
Comment: In summary, the available evidence is currently insufficient to determine the role of this variant in disease. Therefore, it has been classified as a Variant of Uncertain Significance. Algorithms developed to predict the effect of missense changes on protein structure and function (SIFT, PolyPhen-2, Align-GVGD) all suggest that this variant is likely to be disruptive. ClinVar contains an entry for this variant (Variation ID: 1390787). This variant has not been reported in the literature in individuals affected with C1QA-related conditions. This variant is not present in population databases (gnomAD no frequency). This sequence change replaces glycine, which is neutral and non-polar, with arginine, which is basic and polar, at codon 74 of the C1QA protein (p.Gly74Arg).